The following is an entry in ClinVar:

NM_014159.7(SETD2):c.2248G>A (p.Glu750Lys)

Gene: SETD2 (SET domain containing 2, histone lysine methyltransferase; minus strand). Cytogenetic location: 3p21.31.
Variant type: single nucleotide variant.
Coding change: c.2248G>A on transcript NM_014159.7 (MANE Select); coding-DNA position 2248, G replaced by A.
Protein change: p.Glu750Lys; replaces glutamic acid 750 with lysine.
Molecular consequence: missense variant. On other transcripts: non-coding transcript variant (1).
Genome position (GRCh38, 1-based): chr3:47,122,388, C>T on the plus strand (G>A on the coding strand, the complement: SETD2 is on the minus strand). VCF-style: chr3-47122388-C-T. GRCh37 (hg19) VCF-style: chr3-47163878-C-T.
Other names: c.2116G>A, p.Glu706Lys (NM_001349370.3); short protein forms E750K, E706K.
Identifiers: ClinVar variation 857197 (VCV000857197.6), dbSNP rs547767170, ClinGen allele CA2363564.
Genomic context (GRCh38, chr3:47,122,388, plus strand): 5'-AATCCACAGTCATAACTGGCATAGACATGAGTTTATCTTGGTGTGGTGACACCAGAGGTT[C>T]TGTTTCTCTAAATGGGCTTTCTGACTTCTTATGCAGCATGCAGGTATCATCCAAGTCTTT-3'
Protein context (NP_054878.5, residues 740-760): KKSESPFRET[Glu750Lys]PLVSPHQDKL

ClinVar aggregate classification (germline): Uncertain significance (1 of 4 stars; one submission).

Conditions:
Luscan-Lumish syndrome. Identifiers: Orphanet 597738, MedGen C4085873, MONDO:0014791, OMIM 616831.

Allele frequency attached by ClinVar (database versions not stated): ExAC 0.00003; gnomAD 0.00001; TOPMed 0.00001.
gnomAD v4.1: 43 of 1,613,964 alleles (0.0027%); highest among the groups gnomAD compares: Non-Finnish European, 0.0035%; no homozygotes.

Submission:

Labcorp Genetics (formerly Invitae), Labcorp
Classification: Uncertain significance for Luscan-Lumish syndrome. Last evaluated: 2019-04-10. Review status: criteria provided, single submitter. Criteria: Invitae Variant Classification Sherloc (09022015). Collection method: clinical testing. Allele origin: germline.
Comment: Algorithms developed to predict the effect of missense changes on protein structure and function (SIFT, PolyPhen-2, Align-GVGD) all suggest that this variant is likely to be tolerated, but these predictions have not been confirmed by published functional studies and their clinical significance is uncertain. In summary, the available evidence is currently insufficient to determine the role of this variant in disease. Therefore, it has been classified as a Variant of Uncertain Significance. This variant has not been reported in the literature in individuals with SETD2-related conditions. This variant is present in population databases (rs547767170, ExAC 0.006%). This sequence change replaces glutamic acid with lysine at codon 750 of the SETD2 protein (p.Glu750Lys). The glutamic acid residue is moderately conserved and there is a small physicochemical difference between glutamic acid and lysine.